The following is an entry in ClinVar:

ClinVar aggregate classification (germline): Uncertain significance (1 of 4 stars; one submission).

gnomAD v4.1: 1 of 1,612,224 alleles (0.000062%); highest among the groups gnomAD compares: Non-Finnish European, 0.000085%; no homozygotes.

Submission:

Labcorp Genetics (formerly Invitae), Labcorp
Classification: Uncertain significance. Last evaluated: 2022-07-23. Review status: criteria provided, single submitter. Criteria: Invitae Variant Classification Sherloc (09022015). Collection method: clinical testing. Allele origin: germline.
Comment: This variant has not been reported in the literature in individuals affected with PAX1-related conditions. This sequence change replaces glycine, which is neutral and non-polar, with serine, which is neutral and polar, at codon 158 of the PAX1 protein (p.Gly158Ser). This variant is not present in population databases (gnomAD no frequency). Algorithms developed to predict the effect of missense changes on protein structure and function (SIFT, PolyPhen-2, Align-GVGD) all suggest that this variant is likely to be disruptive. In summary, the available evidence is currently insufficient to determine the role of this variant in disease. Therefore, it has been classified as a Variant of Uncertain Significance.

NM_001257096.2(PAX1):c.472G>A (p.Gly158Ser)

Gene: PAX1 (paired box 1; plus strand). Cytogenetic location: 20p11.22.
Variant type: single nucleotide variant.
Coding change: c.472G>A on transcript NM_001257096.2 (MANE Select); coding-DNA position 472, G replaced by A.
Protein change: p.Gly158Ser; replaces glycine 158 with serine.
Molecular consequence: missense variant.
Genome position (GRCh38, 1-based): chr20:21,706,623, G>A. VCF-style: chr20-21706623-G-A. GRCh37 (hg19) VCF-style: chr20-21687261-G-A.
Other names: c.472G>A, p.Gly158Ser (NM_006192.5); short protein forms G158S.
Identifiers: ClinVar variation 2122793 (VCV002122793.4), dbSNP rs2514801238, ClinGen allele CA408498048.